The following is an entry in ClinVar:

NM_001317778.2(SFTPC):c.406G>C (p.Ala136Pro)

Gene: SFTPC (surfactant protein C; plus strand). Cytogenetic location: 8p21.3.
Variant type: single nucleotide variant.
Coding change: c.406G>C on transcript NM_001317778.2 (MANE Select); coding-DNA position 406, G replaced by C.
Protein change: p.Ala136Pro; replaces alanine 136 with proline.
Molecular consequence: missense variant.
Genome position (GRCh38, 1-based): chr8:22,163,517, G>C. VCF-style: chr8-22163517-G-C. GRCh37 (hg19) VCF-style: chr8-22021030-G-C.
Other names: c.406G>C, p.Ala136Pro (NM_001385657.1, NM_001385658.1, NM_001385659.1 and 8 more transcripts); c.247G>C, p.Ala83Pro (NM_001385660.1, NM_001317779.2); short protein forms A136P, A83P.
Identifiers: ClinVar variation 2768119 (VCV002768119.3), dbSNP rs1827860395, ClinGen allele CA370537875.

ClinVar aggregate classification (germline): Uncertain significance (1 of 4 stars; one submission).

Submission:

Labcorp Genetics (formerly Invitae), Labcorp
Classification: Uncertain significance. Last evaluated: 2024-04-07. Review status: criteria provided, single submitter. Criteria: Invitae Variant Classification Sherloc (09022015). Collection method: clinical testing. Allele origin: germline.
Comment: This sequence change replaces alanine, which is neutral and non-polar, with proline, which is neutral and non-polar, at codon 136 of the SFTPC protein (p.Ala136Pro). This variant is not present in population databases (gnomAD no frequency). This variant has not been reported in the literature in individuals affected with SFTPC-related conditions. An algorithm developed to predict the effect of missense changes on protein structure and function (PolyPhen-2) suggests that this variant is likely to be disruptive. In summary, the available evidence is currently insufficient to determine the role of this variant in disease. Therefore, it has been classified as a Variant of Uncertain Significance.